The following is an entry in ClinVar:

NM_001394062.1(MACF1):c.1082C>A (p.Ala361Asp)

Gene: MACF1 (microtubule actin crosslinking factor 1; plus strand). Cytogenetic location: 1p34.3.
Variant type: single nucleotide variant.
Coding change: c.1082C>A on transcript NM_001394062.1 (MANE Select); coding-DNA position 1082, C replaced by A.
Protein change: p.Ala361Asp; replaces alanine 361 with aspartic acid.
Molecular consequence: missense variant.
Genome position (GRCh38, 1-based): chr1:39,284,379, C>A. VCF-style: chr1-39284379-C-A. GRCh37 (hg19) VCF-style: chr1-39750051-C-A.
Other names: c.1097C>A, p.Ala366Asp (NM_012090.5); short protein forms A361D, A366D.
Identifiers: ClinVar variation 4995348 (VCV004995348.1).

ClinVar aggregate classification (germline): Uncertain significance (1 of 4 stars; one submission).

Conditions:
MACF1-related disorder. Also called: MACF1-related condition.

Submission:

PreventionGenetics, part of Exact Sciences
Classification: Uncertain significance for MACF1-related condition. Last evaluated: 2026-04-25. Review status: criteria provided, single submitter. Criteria: ACMG Guidelines, 2015. Collection method: clinical testing. Allele origin: germline.
Comment: The MACF1 c.1097C>A variant is predicted to result in the amino acid substitution p.Ala366Asp. To our knowledge, this variant has not been reported in the literature or in a large population database (gnomAD), indicating this variant is rare. At this time, the clinical significance of this variant is uncertain due to the absence of conclusive functional and genetic evidence.